The following is an entry in ClinVar:

ClinVar aggregate classification (germline): Uncertain significance (1 of 4 stars; one submission).

Submission:

Labcorp Genetics (formerly Invitae), Labcorp
Classification: Uncertain significance. Last evaluated: 2023-03-13. Review status: criteria provided, single submitter. Criteria: Invitae Variant Classification Sherloc (09022015). Collection method: clinical testing. Allele origin: germline.
Comment: This variant is not present in population databases (gnomAD no frequency). This sequence change replaces serine, which is neutral and polar, with glycine, which is neutral and non-polar, at codon 47 of the PPP1CB protein (p.Ser47Gly). This variant has not been reported in the literature in individuals affected with PPP1CB-related conditions. In summary, the available evidence is currently insufficient to determine the role of this variant in disease. Therefore, it has been classified as a Variant of Uncertain Significance. Advanced modeling of protein sequence and biophysical properties (such as structural, functional, and spatial information, amino acid conservation, physicochemical variation, residue mobility, and thermodynamic stability) performed at Invitae indicates that this missense variant is not expected to disrupt PPP1CB protein function.

NM_002709.3(PPP1CB):c.139A>G (p.Ser47Gly)

Gene: PPP1CB (protein phosphatase 1 catalytic subunit beta; plus strand). Cytogenetic location: 2p23.2.
Variant type: single nucleotide variant.
Coding change: c.139A>G on transcript NM_002709.3 (MANE Select); coding-DNA position 139, A replaced by G.
Protein change: p.Ser47Gly; replaces serine 47 with glycine.
Molecular consequence: missense variant.
Genome position (GRCh38, 1-based): chr2:28,776,937, A>G. VCF-style: chr2-28776937-A-G. GRCh37 (hg19) VCF-style: chr2-28999803-A-G.
Other names: c.139A>G, p.Ser47Gly (NM_206876.2); short protein forms S47G.
Identifiers: ClinVar variation 2842833 (VCV002842833.3), dbSNP rs2465724556, ClinGen allele CA346581052.
Genomic context (GRCh38, chr2:28,776,937, plus strand): 5'-GTGCAGATGACTGAAGCAGAAGTTCGAGGCTTATGTATCAAGTCTCGGGAGATCTTTCTC[A>G]GCCAGCCTATTCTTTTGGAATTGGAAGCACCGCTGAAAATTTGTGGTATGTAAATGGGTA-3'
Protein context (NP_002700.1, residues 37-57): LCIKSREIFL[Ser47Gly]QPILLELEAP